The following is an entry in ClinVar:

ClinVar aggregate classification (germline): Pathogenic/Likely pathogenic. Review status: criteria provided, multiple submitters, no conflicts (2 of 4 stars). 9 submissions from 9 submitters: Pathogenic (5); Likely pathogenic (4). Last evaluated 2026-01-07.

Conditions:
Dermatitis, atopic, 2. Identifiers: MedGen C1853965, MONDO:0011596, OMIM 605803.
FLG-related disorder. Also called: FLG-related disorders; FLG-related condition.
Ichthyosis vulgaris. Also called: Dominant ichthyosis vulgaris; ICHTHYOSIS SIMPLEX. Identifiers: MedGen C0079584, MONDO:0024304, OMIM 146700.

Allele frequency attached by ClinVar (database versions not stated): gnomAD 0.00010 and 0.00015; gnomAD exomes 0.00012 and 0.00016; ExAC 0.00026; 1000 Genomes Project 30x 0.00031; 1000 Genomes Project 0.00040.
gnomAD v4.1: 203 of 1,607,114 alleles (0.013%); highest among the groups gnomAD compares: South Asian, 0.087%; no homozygotes.

Submissions (9):

GeneDx
Classification: Pathogenic. Last evaluated: 2026-01-07. Review status: criteria provided, single submitter. Criteria: GeneDx Variant Classification Process June 2021. Collection method: clinical testing. Allele origin: germline. Affected: yes.
Comment: Nonsense variant predicted to result in protein truncation, as the last 1449 amino acid(s) are lost, and other loss-of-function variants have been reported downstream in HGMD; This variant is associated with the following publications: (PMID: 34426522, 31589614, 34515563, 16444271, 29056476)

Laboratory of Genetics, Children's Clinical University Hospital Latvia
Classification: Pathogenic. Last evaluated: 2025-02-16. Review status: criteria provided, single submitter. Criteria: ACMG Guidelines, 2015. Collection method: clinical testing. Allele origin: germline. Affected: yes.

3billion
Classification: Pathogenic for Ichthyosis vulgaris. Last evaluated: 2025-01-30. Review status: criteria provided, single submitter. Criteria: ACMG Guidelines, 2015. Collection method: clinical testing. Allele origin: germline. Affected: yes.
Comment: The variant is observed at an extremely low frequency in the gnomAD v4.1.0 dataset (total allele frequency: 0.013%). Predicted Consequence/Location: Stop-gained (nonsense): predicted to result in a loss or disruption of normal protein function through protein truncation. The predicted truncated protein may be shortened by more than 10%. The variant has been reported at least twice as pathogenic with clinical assertions and evidence for the classification (ClinVar ID: VCV000546021 /PMID: 29056476). Therefore, this variant is classified as Pathogenic according to the recommendation of ACMG/AMP guideline.

Genetics Department, Catlab
Classification: Likely pathogenic for Ichthyosis vulgaris. Last evaluated: 2024-12-03. Review status: criteria provided, single submitter. Criteria: ACMG Guidelines, 2015. Collection method: clinical testing. Allele origin: germline. Affected: yes. Observed: 1 variant allele.
Comment: The c.7837A>T variant in the FLG gene is a loss of function variant not predicted to undergo nonsense mediated decay as it is in the last exon but it alters >10% of the protein for a gene where loss of function variants have been described as a causing mechanism for the gene (PVS1_strong). The variant has a low frecuency in the gnomAD 4.0 database (AF=0.00012631) (PM2). With all the available evidence, the variant is classified as likely pathogenic.

Greenwood Genetic Center Diagnostic Laboratories, Greenwood Genetic Center
Classification: Likely pathogenic for Ichthyosis vulgaris. Last evaluated: 2024-10-24. Review status: criteria provided, single submitter. Criteria: ACMG Guidelines, 2015. Collection method: clinical testing. Allele origin: germline. Affected: yes.
Comment: PVS1, PM2

Blueprint Genetics
Classification: Likely pathogenic for FLG-related disorders. Last evaluated: 2024-10-09. Review status: criteria provided, single submitter. Criteria: ACMG Guidelines, 2015. Collection method: clinical testing. Allele origin: germline. Affected: yes. Observed: 5 variant alleles.

Revvity Omics, Revvity
Classification: Likely pathogenic for Ichthyosis vulgaris. Last evaluated: 2023-08-31. Review status: criteria provided, single submitter. Criteria: ACMG Guidelines, 2015. Collection method: clinical testing. Allele origin: germline.

Genome-Nilou Lab
Classification: Pathogenic for Ichthyosis vulgaris. Last evaluated: 2023-04-11. Review status: criteria provided, single submitter. Criteria: ACMG Guidelines, 2015. Collection method: clinical testing. Allele origin: germline. Affected: no.

Baylor Genetics
Classification: Pathogenic for Dermatitis, atopic, 2. Last evaluated: 2018-09-12. Review status: criteria provided, single submitter. Criteria: ACMG Guidelines, 2015. Collection method: clinical testing. Allele origin: unknown. Affected: yes.
Comment: This variant was determined to be pathogenic according to ACMG Guidelines, 2015 [PMID:25741868].

Literature cited by the submitters: PubMed 29056476 (cited by 3billion).

NM_002016.2(FLG):c.7837A>T (p.Arg2613Ter)

Genes: CCDST (cervical cancer associated DHX9 suppressive transcript; plus strand), FLG (filaggrin; minus strand). Cytogenetic location: 1q21.3.
Variant type: single nucleotide variant.
Coding change: c.7837A>T on transcript NM_002016.2 (MANE Select); coding-DNA position 7837, A replaced by T.
Protein change: p.Arg2613Ter; replaces arginine 2613 with a stop codon.
Molecular consequence: nonsense.
Genome position (GRCh38, 1-based): chr1:152,307,049, T>A on the plus strand (A>T on the coding strand, the complement: FLG is on the minus strand). VCF-style: chr1-152307049-T-A. GRCh37 (hg19) VCF-style: chr1-152279525-T-A.
Other names: short protein forms R2613*.
Identifiers: ClinVar variation 546021 (VCV000546021.19), dbSNP rs567795279, ClinGen allele CA1104507.